The following is an entry in ClinVar:

ClinVar aggregate classification (germline): Uncertain significance (1 of 4 stars; one submission).

Allele frequency attached by ClinVar (database versions not stated): gnomAD exomes below 0.00001 and 0.00001; gnomAD 0.00001 and 0.00002; ExAC 0.00002; TOPMed 0.00002.
gnomAD v4.1: 9 of 1,614,016 alleles (0.00056%); highest among the groups gnomAD compares: African/African-American, 0.004%; no homozygotes.

Submission:

Labcorp Genetics (formerly Invitae), Labcorp
Classification: Uncertain significance. Last evaluated: 2021-10-09. Review status: criteria provided, single submitter. Criteria: Invitae Variant Classification Sherloc (09022015). Collection method: clinical testing. Allele origin: germline.
Comment: In summary, the available evidence is currently insufficient to determine the role of this variant in disease. Therefore, it has been classified as a Variant of Uncertain Significance. Algorithms developed to predict the effect of missense changes on protein structure and function output the following: SIFT: "Tolerated"; PolyPhen-2: "Benign"; Align-GVGD: "Class C0". The threonine amino acid residue is found in multiple mammalian species, which suggests that this missense change does not adversely affect protein function. This variant has not been reported in the literature in individuals affected with ORC1-related conditions. This variant is present in population databases (rs772034633, ExAC 0.02%). This sequence change replaces alanine with threonine at codon 218 of the ORC1 protein (p.Ala218Thr). The alanine residue is moderately conserved and there is a small physicochemical difference between alanine and threonine.

NM_004153.4(ORC1):c.652G>A (p.Ala218Thr)

Gene: ORC1 (origin recognition complex subunit 1; minus strand). Cytogenetic location: 1p32.3.
Variant type: single nucleotide variant.
Coding change: c.652G>A on transcript NM_004153.4 (MANE Select); coding-DNA position 652, G replaced by A.
Protein change: p.Ala218Thr; replaces alanine 218 with threonine.
Molecular consequence: missense variant.
Genome position (GRCh38, 1-based): chr1:52,396,115, C>T on the plus strand (G>A on the coding strand, the complement: ORC1 is on the minus strand). VCF-style: chr1-52396115-C-T. GRCh37 (hg19) VCF-style: chr1-52861787-C-T.
Other names: c.652G>A, p.Ala218Thr (NM_001190818.2, NM_001190819.2); short protein forms A218T.
Identifiers: ClinVar variation 1428664 (VCV001428664.4), dbSNP rs772034633, ClinGen allele CA853546.